The following is an entry in ClinVar:

NM_000180.4(GUCY2D):c.482C>T (p.Thr161Met)

Gene: GUCY2D (guanylate cyclase 2D, retinal; plus strand). Cytogenetic location: 17p13.1.
Variant type: single nucleotide variant.
Coding change: c.482C>T on transcript NM_000180.4 (MANE Select); coding-DNA position 482, C replaced by T.
Protein change: p.Thr161Met; replaces threonine 161 with methionine.
Molecular consequence: missense variant.
Genome position (GRCh38, 1-based): chr17:8,003,529, C>T. VCF-style: chr17-8003529-C-T. GRCh37 (hg19) VCF-style: chr17-7906847-C-T.
Other names: c.482C>T (NM_000180.3); short protein forms T161M.
Identifiers: ClinVar variation 1509771 (VCV001509771.11), dbSNP rs1454369607, ClinGen allele CA397943844.

ClinVar aggregate classification (germline): Uncertain significance. Review status: criteria provided, multiple submitters, no conflicts (2 of 4 stars). 3 submissions from 3 submitters: Uncertain significance (3). Last evaluated 2024-12-23.

Conditions:
Inborn genetic diseases. Identifiers: MedGen C0950123, MeSH D030342.
Leber congenital amaurosis 1 (LCA1). Also called: AMAUROSIS CONGENITA OF LEBER I; Congenital absence of the rods and cones; Leber's congenital tapetoretinal degeneration; Leber's congenital tapetoretinal dysplasia; RETINAL BLINDNESS, CONGENITAL. Identifiers: Orphanet 65, MedGen C2931258, MONDO:0008764, OMIM 204000.
Cone-rod dystrophy 6 (CORD6). Also called: Cone dystrophy progressive; RETINAL CONE DYSTROPHY 2. Identifiers: Orphanet 1872, MedGen C1866293, MONDO:0011143, OMIM 601777.

Allele frequency attached by ClinVar (database versions not stated): gnomAD exomes below 0.00001 and 0.00004; TOPMed 0.00006; gnomAD 0.00008.

Submissions (3):

Labcorp Genetics (formerly Invitae), Labcorp
Classification: Uncertain significance for Leber congenital amaurosis 1; Cone-rod dystrophy 6. Last evaluated: 2024-12-23. Review status: criteria provided, single submitter. Criteria: Invitae Variant Classification Sherloc (09022015). Collection method: clinical testing. Allele origin: germline.
Comment: This sequence change replaces threonine, which is neutral and polar, with methionine, which is neutral and non-polar, at codon 161 of the GUCY2D protein (p.Thr161Met). This variant is present in population databases (no rsID available, gnomAD 0.02%). This variant has not been reported in the literature in individuals affected with GUCY2D-related conditions. ClinVar contains an entry for this variant (Variation ID: 1509771). Invitae Evidence Modeling of protein sequence and biophysical properties (such as structural, functional, and spatial information, amino acid conservation, physicochemical variation, residue mobility, and thermodynamic stability) indicates that this missense variant is not expected to disrupt GUCY2D protein function with a negative predictive value of 80%. In summary, the available evidence is currently insufficient to determine the role of this variant in disease. Therefore, it has been classified as a Variant of Uncertain Significance.

Ambry Genetics
Classification: Uncertain significance for Inborn genetic diseases. Last evaluated: 2024-05-20. Review status: criteria provided, single submitter. Criteria: Ambry Variant Classification Scheme 2023. Collection method: clinical testing. Allele origin: germline.

Blueprint Genetics
Classification: Uncertain significance. Last evaluated: 2021-12-20. Review status: criteria provided, single submitter. Criteria: ACMG Guidelines, 2015. Collection method: clinical testing. Allele origin: germline.